The following is an entry in ClinVar:

ClinVar aggregate classification (germline): Benign (1 of 4 stars; one submission).

Allele frequency attached by ClinVar (database versions not stated): gnomAD exomes 0.01375; gnomAD 0.08806 and 0.09227; TOPMed 0.09760; 1000 Genomes Project 0.10903; 1000 Genomes Project 30x 0.11274.
gnomAD v4.1: 24,776 of 952,052 alleles (2.6%); highest among the groups gnomAD compares: African/African-American, 29%; 2,815 homozygotes.

Submission:

GeneDx
Classification: Benign. Last evaluated: 2018-06-12. Review status: criteria provided, single submitter. Criteria: GeneDx Variant Classification (06012015). Collection method: clinical testing. Allele origin: germline. Affected: yes.
Comment: This variant is considered likely benign or benign based on one or more of the following criteria: it is a conservative change, it occurs at a poorly conserved position in the protein, it is predicted to be benign by multiple in silico algorithms, and/or has population frequency not consistent with disease.

NM_002691.4(POLD1):c.3067+120T>C

Gene: POLD1 (DNA polymerase delta 1, catalytic subunit; plus strand). Cytogenetic location: 19q13.33.
Variant type: single nucleotide variant.
Coding change: c.3067+120T>C on transcript NM_002691.4 (MANE Select); 120 bases into the intron after coding-DNA position 3067, T replaced by C.
Molecular consequence: intron variant.
Genome position (GRCh38, 1-based): chr19:50,416,843, T>C. VCF-style: chr19-50416843-T-C. GRCh37 (hg19) VCF-style: chr19-50920100-T-C.
Other names: c.3067+120T>C (NM_001256849.1); c.3145+120T>C (NM_001308632.1).
Identifiers: ClinVar variation 676551 (VCV000676551.1), dbSNP rs3219445, ClinGen allele CA309605493.